The following is an entry in ClinVar:

NM_001006658.3(CR2):c.2911T>C (p.Cys971Arg)

Gene: CR2 (complement C3d receptor 2; plus strand). Cytogenetic location: 1q32.2.
Variant type: single nucleotide variant.
Coding change: c.2911T>C on transcript NM_001006658.3 (MANE Select); coding-DNA position 2911, T replaced by C.
Protein change: p.Cys971Arg; replaces cysteine 971 with arginine.
Molecular consequence: missense variant.
Genome position (GRCh38, 1-based): chr1:207,477,893, T>C. VCF-style: chr1-207477893-T-C. GRCh37 (hg19) VCF-style: chr1-207651238-T-C.
Other names: c.2734T>C, p.Cys912Arg (NM_001877.5); short protein forms C912R, C971R.
Identifiers: ClinVar variation 1715834 (VCV001715834.5), dbSNP rs2527233295, ClinGen allele CA344541062.
Genomic context (GRCh38, chr1:207,477,893, plus strand): 5'-TGGTAAAAGGCCAAAATATGACTGTGCTTGAATTAGATTTCTTTAATTTCAGAGGTAAAC[T>C]GTAGCTCACCAGCAGATATGGATGGAATCCAGAAAGGGCTGGAACCAAGGAAAATGTATC-3'
Protein context (NP_001006659.1, residues 961-981): QPAPHCKEVN[Cys971Arg]SSPADMDGIQ

ClinVar aggregate classification (germline): Uncertain significance (1 of 4 stars; one submission).

Conditions:
Immunodeficiency, common variable, 7. Identifiers: Orphanet 1572, Orphanet 696894, MedGen C3542922, MONDO:0013862, OMIM 614699.

Submission:

Labcorp Genetics (formerly Invitae), Labcorp
Classification: Uncertain significance for Immunodeficiency, common variable, 7. Last evaluated: 2022-08-09. Review status: criteria provided, single submitter. Criteria: Invitae Variant Classification Sherloc (09022015). Collection method: clinical testing. Allele origin: germline.
Comment: This sequence change replaces cysteine, which is neutral and slightly polar, with arginine, which is basic and polar, at codon 971 of the CR2 protein (p.Cys971Arg). In summary, the available evidence is currently insufficient to determine the role of this variant in disease. Therefore, it has been classified as a Variant of Uncertain Significance. Algorithms developed to predict the effect of missense changes on protein structure and function (SIFT, PolyPhen-2, Align-GVGD) all suggest that this variant is likely to be disruptive. This variant has not been reported in the literature in individuals affected with CR2-related conditions. This variant is not present in population databases (gnomAD no frequency).